The following is an entry in ClinVar:

NM_000059.4(BRCA2):c.1261C>G (p.Gln421Glu)

Gene: BRCA2 (BRCA2 DNA repair associated; plus strand). Cytogenetic location: 13q13.1.
Variant type: single nucleotide variant.
Coding change: c.1261C>G on transcript NM_000059.4 (MANE Select); coding-DNA position 1261, C replaced by G.
Protein change: p.Gln421Glu; replaces glutamine 421 with glutamic acid.
Molecular consequence: missense variant.
Genome position (GRCh38, 1-based): chr13:32,332,739, C>G. VCF-style: chr13-32332739-C-G. GRCh37 (hg19) VCF-style: chr13-32906876-C-G.
Other names: short protein forms Q421E.
Identifiers: ClinVar variation 91749 (VCV000091749.22), dbSNP rs80358419, ClinGen allele CA011373.
Genomic context (GRCh38, chr13:32,332,739, plus strand): 5'-TCAGGTCTAAATGGAGCCCAGATGGAGAAAATACCCCTATTGCATATTTCTTCATGTGAC[C>G]AAAATATTTCAGAAAAAGACCTATTAGACACAGAGAACAAAAGAAAGAAAGATTTTCTTA-3'
Protein context (NP_000050.3, residues 411-431): IPLLHISSCD[Gln421Glu]NISEKDLLDT

ClinVar aggregate classification (germline): Conflicting classifications of pathogenicity. Review status: criteria provided, conflicting classifications (1 of 4 stars). 7 submissions from 7 submitters: Uncertain significance (5); Likely benign (1). 1 of the submissions does not count toward it. Last evaluated 2025-11-18.

Conditions:
Hereditary cancer-predisposing syndrome. Also called: Tumor predisposition; Hereditary Cancer Syndrome; Neoplastic Syndromes, Hereditary; Hereditary neoplastic syndrome. Identifiers: Orphanet 140162, MedGen C0027672, MeSH D009386, MONDO:0015356.
Hereditary breast ovarian cancer syndrome. Also called: Breast and ovarian cancer; Hereditary breast and ovarian cancer; Hereditary breast and ovarian cancer syndrome; BRCA1- and BRCA2-Associated Hereditary Breast and Ovarian Cancer; Hereditary breast and ovarian cancer syndrome (HBOC); Hereditary breast and/or ovarian cancer syndrome. Identifiers: Orphanet 145, MedGen C0677776, MeSH D061325, MONDO:0003582. Disease mechanism: loss of function.
Breast-ovarian cancer, familial, susceptibility to, 2 (BROVCA2). Also called: BRCA2 Hereditary Breast and Ovarian Cancer. Identifiers: Orphanet 145, MedGen C2675520, MONDO:0012933, OMIM 612555. Disease mechanism: loss of function.

Allele frequency attached by ClinVar (database versions not stated): gnomAD exomes below 0.00001.
gnomAD v4.1: 6 of 1,609,108 alleles (0.00037%); highest among the groups gnomAD compares: Admixed American, 0.0017%; no homozygotes.

Submissions (7):

Labcorp Genetics (formerly Invitae), Labcorp
Classification: Uncertain significance for Hereditary breast ovarian cancer syndrome. Last evaluated: 2025-11-18. Review status: criteria provided, single submitter. Criteria: Invitae Variant Classification Sherloc (09022015). Collection method: clinical testing. Allele origin: germline.
Comment: This sequence change replaces glutamine, which is neutral and polar, with glutamic acid, which is acidic and polar, at codon 421 of the BRCA2 protein (p.Gln421Glu). This variant is not present in population databases (gnomAD no frequency). This variant has not been reported in the literature in individuals affected with BRCA2-related conditions. ClinVar contains an entry for this variant (Variation ID: 91749). Invitae Evidence Modeling of protein sequence and biophysical properties (such as structural, functional, and spatial information, amino acid conservation, physicochemical variation, residue mobility, and thermodynamic stability) indicates that this missense variant is not expected to disrupt BRCA2 protein function with a negative predictive value of 95%. In summary, the available evidence is currently insufficient to determine the role of this variant in disease. Therefore, it has been classified as a Variant of Uncertain Significance.

Women's Health and Genetics/Laboratory Corporation of America, LabCorp
Classification: Uncertain significance. Last evaluated: 2025-09-12. Review status: criteria provided, single submitter. Criteria: LabCorp Variant Classification Summary - May 2015. Collection method: clinical testing. Allele origin: germline.

All of Us Research Program, National Institutes of Health
Classification: Uncertain significance for Breast-ovarian cancer, familial, susceptibility to, 2. Last evaluated: 2023-07-10. Review status: criteria provided, single submitter. Criteria: ACMG Guidelines, 2015. Collection method: clinical testing. Allele origin: germline. Inheritance: Autosomal dominant inheritance. Observed: 1 variant allele, 1 heterozygote.
Comment: This missense variant replaces glutamine with glutamic acid at codon 421 of the BRCA2 protein. Computational prediction suggests that this variant may not impact protein structure and function (internally defined REVEL score threshold <= 0.5, PMID: 27666373). To our knowledge, functional studies have not been reported for this variant. This variant has not been reported in individuals affected with BRCA2-related disorders in the literature. This variant has not been identified in the general population by the Genome Aggregation Database (gnomAD). The available evidence is insufficient to determine the role of this variant in disease conclusively. Therefore, this variant is classified as a Variant of Uncertain Significance.

This study involves interpretation of variants in research participants for the purpose of population health screening. Participant phenotype was not available at the time of variant classification. Additional details can be found in publication PMID: 35346344, PMCID: PMC8962531

Color Diagnostics, LLC DBA Color Health
Classification: Uncertain significance for Hereditary cancer-predisposing syndrome. Last evaluated: 2023-06-21. Review status: criteria provided, single submitter. Criteria: ACMG Guidelines, 2015. Collection method: clinical testing. Allele origin: germline.
Comment: This missense variant replaces glutamine with glutamic acid at codon 421 of the BRCA2 protein. Computational prediction suggests that this variant may not impact protein structure and function (internally defined REVEL score threshold <= 0.5, PMID: 27666373). To our knowledge, functional studies have not been reported for this variant. This variant has not been reported in individuals affected with BRCA2-related disorders in the literature. This variant has not been identified in the general population by the Genome Aggregation Database (gnomAD). The available evidence is insufficient to determine the role of this variant in disease conclusively. Therefore, this variant is classified as a Variant of Uncertain Significance.

University of Washington Department of Laboratory Medicine, University of Washington
Classification: Likely benign for Hereditary cancer-predisposing syndrome. Last evaluated: 2023-03-23. Review status: criteria provided, single submitter. Criteria: Dines et al. (Genet Med. 2020). Collection method: curation. Allele origin: germline.
Comment: Missense variant in a coldspot region where missense variants are very unlikely to be pathogenic (PMID:31911673).

BRCA2 exon 10 coldspot. Reclassification based on statistical prior probability.

Ambry Genetics
Classification: Uncertain significance for Hereditary cancer-predisposing syndrome. Last evaluated: 2022-07-13. Review status: criteria provided, single submitter. Criteria: Ambry Variant Classification Scheme 2023. Collection method: clinical testing. Allele origin: germline.
Comment: The p.Q421E variant (also known as c.1261C>G), located in coding exon 9 of the BRCA2 gene, results from a C to G substitution at nucleotide position 1261. The glutamine at codon 421 is replaced by glutamic acid, an amino acid with highly similar properties. This amino acid position is well conserved in available vertebrate species. In addition, this alteration is predicted to be tolerated by in silico analysis. Since supporting evidence is limited at this time, the clinical significance of this alteration remains unclear.

Sharing Clinical Reports Project (SCRP)
Classification: Uncertain significance for Breast-ovarian cancer, familial 2. Last evaluated: 2007-06-21. Review status: no assertion criteria provided. Collection method: clinical testing. Allele origin: germline. Not counted in ClinVar's aggregate classification.